The following is an entry in ClinVar:

ClinVar aggregate classification (germline): Uncertain significance (1 of 4 stars; one submission).

Conditions:
Emery-Dreifuss muscular dystrophy 5, autosomal dominant (EDMD5). Also called: EMERY-DREIFUSS MUSCULAR DYSTROPHY 5. Identifiers: Orphanet 261, MedGen C2751805, MONDO:0013072, OMIM 612999.

Submission:

Labcorp Genetics (formerly Invitae), Labcorp
Classification: Uncertain significance for Emery-Dreifuss muscular dystrophy 5, autosomal dominant. Last evaluated: 2025-01-16. Review status: criteria provided, single submitter. Criteria: Invitae Variant Classification Sherloc (09022015). Collection method: clinical testing. Allele origin: germline.
Comment: This sequence change replaces valine, which is neutral and non-polar, with glycine, which is neutral and non-polar, at codon 937 of the SYNE2 protein (p.Val937Gly). This variant is not present in population databases (gnomAD no frequency). This variant has not been reported in the literature in individuals affected with SYNE2-related conditions. An algorithm developed to predict the effect of missense changes on protein structure and function (PolyPhen-2) suggests that this variant is likely to be tolerated. In summary, the available evidence is currently insufficient to determine the role of this variant in disease. Therefore, it has been classified as a Variant of Uncertain Significance.

NM_182914.3(SYNE2):c.2810T>G (p.Val937Gly)

Gene: SYNE2 (spectrin repeat containing nuclear envelope protein 2; plus strand). Cytogenetic location: 14q23.2.
Variant type: single nucleotide variant.
Coding change: c.2810T>G on transcript NM_182914.3 (MANE Select); coding-DNA position 2810, T replaced by G.
Protein change: p.Val937Gly; replaces valine 937 with glycine.
Molecular consequence: missense variant.
Genome position (GRCh38, 1-based): chr14:63,995,072, T>G. VCF-style: chr14-63995072-T-G. GRCh37 (hg19) VCF-style: chr14-64461790-T-G.
Other names: c.2810T>G, p.Val937Gly (NM_015180.6); short protein forms V937G.
Identifiers: ClinVar variation 3671568 (VCV003671568.2).